The following is an entry in ClinVar:

ClinVar aggregate classification (germline): Uncertain significance (1 of 4 stars; one submission).

Submission:

Ambry Genetics
Classification: Uncertain significance. Last evaluated: 2022-05-14. Review status: criteria provided, single submitter. Criteria: Ambry Variant Classification Scheme 2023. Collection method: clinical testing. Allele origin: germline.
Comment: The p.K701R variant (also known as c.2102A>G), located in coding exon 13 of the POLQ gene, results from an A to G substitution at nucleotide position 2102. The lysine at codon 701 is replaced by arginine, an amino acid with highly similar properties. This amino acid position is conserved. In addition, this alteration is predicted to be tolerated by in silico analysis. Since supporting evidence is limited at this time, the clinical significance of this alteration remains unclear.

NM_199420.4(POLQ):c.2102A>G (p.Lys701Arg)

Gene: POLQ (DNA polymerase theta; minus strand). Cytogenetic location: 3q13.33.
Variant type: single nucleotide variant.
Coding change: c.2102A>G on transcript NM_199420.4 (MANE Select); coding-DNA position 2102, A replaced by G.
Protein change: p.Lys701Arg; replaces lysine 701 with arginine.
Molecular consequence: missense variant.
Genome position (GRCh38, 1-based): chr3:121,498,528, T>C on the plus strand (A>G on the coding strand, the complement: POLQ is on the minus strand). VCF-style: chr3-121498528-T-C. GRCh37 (hg19) VCF-style: chr3-121217375-T-C.
Other names: short protein forms K701R.
Identifiers: ClinVar variation 1785937 (VCV001785937.2), dbSNP rs2546794700, ClinGen allele CA354109988.
Genomic context (GRCh38, chr3:121,498,528, plus strand): 5'-GACGTTTACCTTTTATGGATGGCCATTTGTCGATGCTGTCTCTCAGTTCTGGCTACTACT[T>C]TTCCTTTCACACAACGGGCCAAGAACCCCTCTTCAACTCCCACTAGCTCTGCCACCCTTT-3'
Protein context (NP_955452.3, residues 691-711): EGFLARCVKG[Lys701Arg]VVARTERQHR